The following is an entry in ClinVar:

NM_001080476.2(GRXCR1):c.(?_-62)_*(153_?)dup

Gene: GRXCR1 (glutaredoxin and cysteine rich domain containing 1; plus strand). Cytogenetic location: 4p13.
Variant type: Duplication.
Identifiers: ClinVar variation 506001 (VCV000506001.5).

ClinVar aggregate classification (germline): Likely benign (1 of 4 stars; one submission).

Submission:

Laboratory for Molecular Medicine, Mass General Brigham Personalized Medicine
Classification: Likely benign. Last evaluated: 2017-08-10. Review status: criteria provided, single submitter. Criteria: LMM Criteria. Collection method: clinical testing. Allele origin: germline. Observed: 1 variant allele.
Comment: Duplication of the GRXCR1 gene: This duplication is not expected to have clinica l significance because it encompasses the entirety of the GRXCR1 gene. This gen e is associated with autosomal recessive hearing loss, and a duplication of the gene is not expected to have clinical significance. However, exact breakpoints of the detected deletion could not be determined due to limitations of the test ing methodology. A similar duplication has been previously reported in ClinVar a s likely benign (Variation ID# 395403). This variant has been identified in 1/57 38 Latino chromosomes by the Exome Aggregation Consortium (ExAC).